The following is an entry in ClinVar:

NM_004370.6(COL12A1):c.3566-8C>A

Gene: COL12A1 (collagen type XII alpha 1 chain; minus strand). Cytogenetic location: 6q13.
Variant type: single nucleotide variant.
Coding change: c.3566-8C>A on transcript NM_004370.6 (MANE Select); 8 bases into the intron before coding-DNA position 3566, C replaced by A.
Molecular consequence: intron variant.
Genome position (GRCh38, 1-based): chr6:75,152,490, G>T on the plus strand (C>A on the coding strand, the complement: COL12A1 is on the minus strand). VCF-style: chr6-75152490-G-T. GRCh37 (hg19) VCF-style: chr6-75862206-G-T.
Other names: c.74-8C>A (NM_080645.3).
Identifiers: ClinVar variation 775479 (VCV000775479.11), dbSNP rs201709757, ClinGen allele CA3893674.

ClinVar aggregate classification (germline): Likely benign. Review status: criteria provided, multiple submitters, no conflicts (2 of 4 stars). 3 submissions from 3 submitters: Likely benign (2). 1 of the submissions does not count toward it. Last evaluated 2025-10-24.

Conditions:
COL12A1-related disorder. Also called: COL12A1-related condition.
Ullrich congenital muscular dystrophy 2 (UCMD2). Identifiers: Orphanet 75840, MedGen C4225314, MONDO:0014654, OMIM 616470.
Bethlem myopathy 2 (BTHLM2). Identifiers: Orphanet 536516, Orphanet 610, MedGen C4225313, MONDO:0034022, OMIM 616471.

Allele frequency attached by ClinVar (database versions not stated): gnomAD 0.00003 and 0.00004; gnomAD exomes 0.00003 and 0.00009; TOPMed 0.00004; ESP Exome Variant Server 0.00008; ExAC 0.00010.
gnomAD v4.1: 58 of 1,612,836 alleles (0.0036%); highest among the groups gnomAD compares: Non-Finnish European, 0.00059%; no homozygotes.

Submissions (3):

Labcorp Genetics (formerly Invitae), Labcorp
Classification: Likely benign for Bethlem myopathy 2; Ullrich congenital muscular dystrophy 2. Last evaluated: 2025-10-24. Review status: criteria provided, single submitter. Criteria: Invitae Variant Classification Sherloc (09022015). Collection method: clinical testing. Allele origin: germline.

Women's Health and Genetics/Laboratory Corporation of America, LabCorp
Classification: Likely benign. Last evaluated: 2025-10-06. Review status: criteria provided, single submitter. Criteria: LabCorp Variant Classification Summary - May 2015. Collection method: clinical testing. Allele origin: germline.

PreventionGenetics, part of Exact Sciences
Classification: Likely benign for COL12A1-related condition. Last evaluated: 2024-02-28. Review status: no assertion criteria provided. Collection method: clinical testing. Allele origin: germline. Not counted in ClinVar's aggregate classification.
Comment: This variant is classified as likely benign based on ACMG/AMP sequence variant interpretation guidelines (Richards et al. 2015 PMID: 25741868, with internal and published modifications).